The following is an entry in ClinVar:

NM_170699.3(GPBAR1):c.611G>A (p.Arg204Gln)

Gene: GPBAR1 (G protein-coupled bile acid receptor 1; plus strand). Cytogenetic location: 2q35.
Variant type: single nucleotide variant.
Coding change: c.611G>A on transcript NM_170699.3 (MANE Select); coding-DNA position 611, G replaced by A.
Protein change: p.Arg204Gln; replaces arginine 204 with glutamine.
Molecular consequence: missense variant.
Genome position (GRCh38, 1-based): chr2:218,263,335, G>A. VCF-style: chr2-218263335-G-A. GRCh37 (hg19) VCF-style: chr2-219128058-G-A.
Other names: c.611G>A, p.Arg204Gln (NM_001077191.2, NM_001077194.2, NM_001321950.2); c.611G>A (NM_001321950.1); short protein forms R204Q.
Identifiers: ClinVar variation 596462 (VCV000596462.7), dbSNP rs201761361, ClinGen allele CA2102637.

ClinVar aggregate classification (germline): Uncertain significance. Review status: criteria provided, single submitter (1 of 4 stars). 2 submissions from 2 submitters: Uncertain significance (1). 1 of the submissions does not count toward it. Last evaluated 2018-03-16.

Conditions:
GPBAR1-related disorder. Also called: GPBAR1-related condition.

Allele frequency attached by ClinVar (database versions not stated): ExAC 0.00009; gnomAD 0.00014 and 0.00015; TOPMed 0.00014; ESP Exome Variant Server 0.00016; 1000 Genomes Project 0.00040; 1000 Genomes Project 30x 0.00047.
gnomAD v4.1: 110 of 1,602,350 alleles (0.0069%); highest among the groups gnomAD compares: African/African-American, 0.036%; 1 homozygote.

Submissions (2):

Eurofins Ntd Llc (ga)
Classification: Uncertain significance. Last evaluated: 2018-03-16. Review status: criteria provided, single submitter. Criteria: EGL ClinVar v180209 classification definitions. Collection method: clinical testing. Allele origin: germline. Observed: 1 variant allele, 1 heterozygote.

PreventionGenetics, part of Exact Sciences
Classification: Uncertain significance for GPBAR1-related condition. Last evaluated: 2023-12-05. Review status: no assertion criteria provided. Collection method: clinical testing. Allele origin: germline. Not counted in ClinVar's aggregate classification.
Comment: The GPBAR1 c.611G>A variant is predicted to result in the amino acid substitution p.Arg204Gln. To our knowledge, this variant has not been reported in the literature. This variant is reported in 0.036% of alleles in individuals of African descent in gnomAD, including one homozygous individual. At this time, the clinical significance of this variant is uncertain due to the absence of conclusive functional and genetic evidence.